The following is an entry in ClinVar:

NM_001330260.2(SCN8A):c.2464G>A (p.Gly822Arg)

Gene: SCN8A (sodium voltage-gated channel alpha subunit 8; plus strand). Cytogenetic location: 12q13.13.
Variant type: single nucleotide variant.
Coding change: c.2464G>A on transcript NM_001330260.2 (MANE Select); coding-DNA position 2464, G replaced by A.
Protein change: p.Gly822Arg; replaces glycine 822 with arginine.
Molecular consequence: missense variant.
Genome position (GRCh38, 1-based): chr12:51,762,596, G>A. VCF-style: chr12-51762596-G-A. GRCh37 (hg19) VCF-style: chr12-52156380-G-A.
Other names: c.2464G>A, p.Gly822Arg (NM_001177984.3, NM_001369788.1, NM_014191.4); short protein forms G822R.
Identifiers: ClinVar variation 1325768 (VCV001325768.4), dbSNP rs1555225498, ClinGen allele CA384884105.
Genomic context (GRCh38, chr12:51,762,596, plus strand): 5'-CTGAAGCTCATAGCCATGGATCCCTACTATTATTTCCAAGAAGGTTGGAACATTTTTGAC[G>A]GATTTATTGTCTCCCTCAGTTTAATGGAACTGAGTCTAGCAGACGTGGAGGGGCTTTCAG-3'
Protein context (NP_001317189.1, residues 812-832): YFQEGWNIFD[Gly822Arg]FIVSLSLMEL

ClinVar aggregate classification (germline): Likely pathogenic. Review status: criteria provided, multiple submitters, no conflicts (2 of 4 stars). 2 submissions from 2 submitters: Likely pathogenic (2). Last evaluated 2024-02-02.

Conditions:
Autosomal recessive inheritance. Identifiers: MedGen C0441748, HP:0000007.
Global developmental delay (DD). Also called: Cognitive delay. Identifiers: MedGen C0557874, HP:0001263. Disease mechanism: loss of function.
Seizure. Also called: Seizures. Identifiers: MedGen C0036572, HP:0001250.

Submissions (3):

GeneDx
Classification: Likely pathogenic. Last evaluated: 2024-02-02. Review status: criteria provided, single submitter. Criteria: GeneDx Variant Classification Process June 2021. Collection method: clinical testing. Allele origin: germline. Affected: yes.
Comment: Identified in an individual with developmental and epileptic encephalopathy who also harbored a second likely pathogenic variant in SCN8A; parents with mild intellectual disability were respective carriers of each variant (PMID: 31625145); In silico analysis supports that this missense variant has a deleterious effect on protein structure/function; Not observed at significant frequency in large population cohorts (gnomAD); This substitution is predicted to be within the transmembrane segment S3 of the second homologous domain; This variant is associated with the following publications: (PMID: 31625145)

Institute of Human Genetics, University of Leipzig Medical Center
Classification: Likely pathogenic for Autosomal recessive inheritance; Seizure; Global developmental delay. Last evaluated: 2019-10-17. Review status: criteria provided, single submitter. Criteria: ACMG Guidelines, 2015. Collection method: clinical testing. Allele origin: germline. Affected: yes.
Comment: This variant was identified comp-het. with c.4912C>T; p.(Arg1638Cys)

Channelopathy-Associated Epilepsy Research Center
No classification provided (evidence only). Condition: Complex neurodevelopmental disorder. Review status: no classification provided. Collection method: literature only. Allele origin: not applicable. Functional consequence: Absence of peak current, Overall loss-of-function effect with respect to biophysical channel activity. Not counted in ClinVar's aggregate classification.
ClinVar note: "not provided" was previously submitted as the classification for the variant. However, the classification appeared to be based only on an observation of functional data so it was converted to no classification on 2025-07-30.

Literature cited by the submitters: PubMed 31625145 (cited by Institute of Human Genetics, University of Leipzig Medical Center and Channelopathy-Associated Epilepsy Research Center).